The following is an entry in ClinVar:

ClinVar aggregate classification (germline): Uncertain significance (1 of 4 stars; one submission).

Submission:

Labcorp Genetics (formerly Invitae), Labcorp
Classification: Uncertain significance. Last evaluated: 2024-11-18. Review status: criteria provided, single submitter. Criteria: Invitae Variant Classification Sherloc (09022015). Collection method: clinical testing. Allele origin: germline.
Comment: This sequence change replaces glutamic acid, which is acidic and polar, with glycine, which is neutral and non-polar, at codon 280 of the CCT2 protein (p.Glu280Gly). This variant is not present in population databases (gnomAD no frequency). This variant has not been reported in the literature in individuals affected with CCT2-related conditions. ClinVar contains an entry for this variant (Variation ID: 1044277). An algorithm developed to predict the effect of missense changes on protein structure and function (PolyPhen-2) suggests that this variant is likely to be tolerated. In summary, the available evidence is currently insufficient to determine the role of this variant in disease. Therefore, it has been classified as a Variant of Uncertain Significance.

NM_006431.3(CCT2):c.839A>G (p.Glu280Gly)

Gene: CCT2 (chaperonin containing TCP1 subunit 2; plus strand). Cytogenetic location: 12q15.
Variant type: single nucleotide variant.
Coding change: c.839A>G on transcript NM_006431.3 (MANE Select); coding-DNA position 839, A replaced by G.
Protein change: p.Glu280Gly; replaces glutamic acid 280 with glycine.
Molecular consequence: missense variant.
Genome position (GRCh38, 1-based): chr12:69,593,064, A>G. VCF-style: chr12-69593064-A-G. GRCh37 (hg19) VCF-style: chr12-69986844-A-G.
Other names: c.698A>G, p.Glu233Gly (NM_001198842.2); short protein forms E233G, E280G.
Identifiers: ClinVar variation 1044277 (VCV001044277.8), dbSNP rs1881884337, ClinGen allele CA385728560.
Genomic context (GRCh38, chr12:69,593,064, plus strand): 5'-CTACAGCAAAGGTTGCAGAAATAGAACATGCGGAAAAGGAAAAAATGAAGGAGAAAGTTG[A>G]ACGTATTCTTAAGCATGGAATAAATTGCTTTATTAACAGGTCTGTGTTTGCTTTTAAGAA-3'
Protein context (NP_006422.1, residues 270-290): AEKEKMKEKV[Glu280Gly]RILKHGINCF